The following is an entry in ClinVar:

NM_001042681.2(RERE):c.4646C>G (p.Pro1549Arg)

Gene: RERE (arginine-glutamic acid dipeptide repeats; minus strand). Cytogenetic location: 1p36.23.
Variant type: single nucleotide variant.
Coding change: c.4646C>G on transcript NM_001042681.2 (MANE Select); coding-DNA position 4646, C replaced by G.
Protein change: p.Pro1549Arg; replaces proline 1549 with arginine.
Molecular consequence: missense variant.
Genome position (GRCh38, 1-based): chr1:8,355,440, G>C on the plus strand (C>G on the coding strand, the complement: RERE is on the minus strand). VCF-style: chr1-8355440-G-C. GRCh37 (hg19) VCF-style: chr1-8415500-G-C.
Other names: c.2984C>G, p.Pro995Arg (NM_001042682.2); c.4646C>G, p.Pro1549Arg (NM_012102.4); short protein forms P1549R, P995R.
Identifiers: ClinVar variation 3777675 (VCV003777675.2).

ClinVar aggregate classification (germline): Uncertain significance (1 of 4 stars; one submission).

gnomAD v4.1: 2 of 1,613,062 alleles (0.00012%); highest among the groups gnomAD compares: Non-Finnish European, 0.00017%; no homozygotes.

Submission:

GeneDx
Classification: Uncertain significance. Last evaluated: 2026-04-02. Review status: criteria provided, single submitter. Criteria: GeneDx Variant Classification Process June 2021. Collection method: clinical testing. Allele origin: germline.
Comment: Not observed at significant frequency in large population cohorts (gnomAD); In silico analysis supports that this missense variant has a deleterious effect on protein structure/function; Has not been previously published as pathogenic or benign to our knowledge